The following is an entry in ClinVar:

NM_001384140.1(PCDH15):c.913C>G (p.Gln305Glu)

Gene: PCDH15 (protocadherin related 15; minus strand). Cytogenetic location: 10q21.1.
Variant type: single nucleotide variant.
Coding change: c.913C>G on transcript NM_001384140.1 (MANE Select); coding-DNA position 913, C replaced by G.
Protein change: p.Gln305Glu; replaces glutamine 305 with glutamic acid.
Molecular consequence: missense variant.
Genome position (GRCh38, 1-based): chr10:54,236,895, G>C on the plus strand (C>G on the coding strand, the complement: PCDH15 is on the minus strand). VCF-style: chr10-54236895-G-C. GRCh37 (hg19) VCF-style: chr10-55996655-G-C.
Other names: c.913C>G, p.Gln305Glu (NM_001142764.2, NM_001142765.2, NM_001142766.2 and 7 more transcripts); c.802C>G, p.Gln268Glu (NM_001142767.2); c.847C>G, p.Gln283Glu (NM_001142768.2, NM_001142773.2, NM_001354404.2); c.928C>G, p.Gln310Glu (NM_001142769.4, NM_001142771.2, NM_001142763.2); short protein forms Q305E, Q310E, Q268E, Q283E.
Identifiers: ClinVar variation 164930 (VCV000164930.15), dbSNP rs143058902, ClinGen allele CA177607.
Genomic context (GRCh38, chr10:54,236,895, plus strand): 5'-AATAGAGGATTCCTGGCCTATCTGATGGCGGTTGAATATTCCGGTCCTGATCAATGGCTT[G>C]GATTGGTGGCGTAACAATAATGGGGTTCAGTTCTTCCTGAAAAAAAAATTAAGAGAGTTT-3'
Protein context (NP_001371069.1, residues 295-315): LNPIIVTPPI[Gln305Glu]AIDQDRNIQP

ClinVar aggregate classification (germline): Conflicting classifications of pathogenicity. Review status: criteria provided, conflicting classifications (1 of 4 stars). 4 submissions from 4 submitters: Uncertain significance (1); Likely benign (3). Last evaluated 2026-01-05.

Conditions:
Inborn genetic diseases. Identifiers: MedGen C0950123, MeSH D030342.

Allele frequency attached by ClinVar (database versions not stated): gnomAD exomes 0.00003 and 0.00011; gnomAD 0.00034 and 0.00037; ESP Exome Variant Server 0.00038; 1000 Genomes Project 0.00040; TOPMed 0.00044; 1000 Genomes Project 30x 0.00047.
gnomAD v4.1: 108 of 1,613,566 alleles (0.0067%); highest among the groups gnomAD compares: African/African-American, 0.11%; no homozygotes.

Submissions (4):

Labcorp Genetics (formerly Invitae), Labcorp
Classification: Likely benign. Last evaluated: 2026-01-05. Review status: criteria provided, single submitter. Criteria: Invitae Variant Classification Sherloc (09022015). Collection method: clinical testing. Allele origin: germline.

Ambry Genetics
Classification: Uncertain significance for Inborn genetic diseases. Last evaluated: 2025-01-28. Review status: criteria provided, single submitter. Criteria: Ambry Variant Classification Scheme 2023. Collection method: clinical testing. Allele origin: germline.

Blueprint Genetics
Classification: Likely benign. Last evaluated: 2022-09-21. Review status: criteria provided, single submitter. Criteria: ACMG Guidelines, 2015. Collection method: clinical testing. Allele origin: germline.

Laboratory for Molecular Medicine, Mass General Brigham Personalized Medicine
Classification: Likely benign. Last evaluated: 2017-05-18. Review status: criteria provided, single submitter. Criteria: LMM Criteria. Collection method: clinical testing. Allele origin: germline. Observed: 2 variant alleles.
Comment: p.Gln305Glu in exon 9 of PCDH15: This variant is not expected to have clinical s ignificance due to a lack of conservation across species, including mammals. Of note, >10 mammalian species have a glutamic acid (Glu) at this position despite high nearby amino acid conservation. It has been identified in 0.1% (29/24010) of African chromosomes by the Genome Aggregation Database (gnomAD; dbSNP rs143058902)